The following is an entry in ClinVar:

NM_017763.6(RNF43):c.1153C>T (p.Pro385Ser)

Gene: RNF43 (ring finger protein 43; minus strand). Cytogenetic location: 17q22.
Variant type: single nucleotide variant.
Coding change: c.1153C>T on transcript NM_017763.6 (MANE Select); coding-DNA position 1153, C replaced by T.
Protein change: p.Pro385Ser; replaces proline 385 with serine.
Molecular consequence: missense variant.
Genome position (GRCh38, 1-based): chr17:58,358,623, G>A on the plus strand (C>T on the coding strand, the complement: RNF43 is on the minus strand). VCF-style: chr17-58358623-G-A. GRCh37 (hg19) VCF-style: chr17-56435984-G-A.
Other names: c.1153C>T, p.Pro385Ser (NM_001305544.3, NM_001438820.1, NM_001438821.1 and 1 more transcripts); c.772C>T, p.Pro258Ser (NM_001305545.2, NM_001437987.1); short protein forms P258S, P385S.
Identifiers: ClinVar variation 4578958 (VCV004578958.1).
Genomic context (GRCh38, chr17:58,358,623, plus strand): 5'-GGCGCTGCTGCTCTCCTGGAGCCCGGGGATGTGCAGCTCTGGGGAAGCGGTGATGCCGAG[G>A]GCCCATGCCTGGCTCCTGGGATGGCAGGAAGGGACCAGGTCGTGGGGGCCGAGCCACTGC-3'
Protein context (NP_060233.3, residues 375-395): FLPSQEPGMG[Pro385Ser]RHHRFPRAAH

ClinVar aggregate classification (germline): Uncertain significance (1 of 4 stars; one submission).

Submission:

Ambry Genetics
Classification: Uncertain significance. Last evaluated: 2025-10-05. Review status: criteria provided, single submitter. Criteria: Ambry Variant Classification Scheme 2023. Collection method: clinical testing. Allele origin: germline.
Comment: The p.P385S variant (also known as c.1153C>T), located in coding exon 8 of the RNF43 gene, results from a C to T substitution at nucleotide position 1153. The proline at codon 385 is replaced by serine, an amino acid with similar properties. This amino acid position is conserved. In addition, this alteration is predicted to be tolerated by in silico analysis. Based on the available evidence, the clinical significance of this variant remains unclear.